The following is an entry in ClinVar:

NM_014698.3(TMEM63A):c.2308CAG[9] (p.Gln775_Thr776insGlnGlnGln)

Gene: TMEM63A (transmembrane protein 63A; minus strand). Cytogenetic location: 1q42.12.
Variant type: Microsatellite.
Coding change: c.2308CAG[9] on transcript NM_014698.3 (MANE Select); nine copies in a row of the 3-base unit CAG starting at c.2308; the reference has six copies in a row; three copies, 9 bases duplicated.
Protein change: p.Gln775_Thr776insGlnGlnGln.
Molecular consequence: inframe insertion.
Genome position (GRCh38, 1-based): chr1:225,847,139-225,847,147, CTGCTGCTG duplicated on the plus strand (CAGCAGCAG on the coding strand, the reverse complement: TMEM63A is on the minus strand); duplicating any 9 consecutive bases within chr1:225,847,139-225,847,157 gives the same sequence; the position shown is the placement nearest the transcript's 3' end. VCF-style (leftmost placement, unchanged base first): chr1-225847138-T-TCTGCTGCTG. GRCh37 (hg19) VCF-style: chr1-226034839-T-TCTGCTGCTG.
Identifiers: ClinVar variation 4989440 (VCV004989440.1).

ClinVar aggregate classification (germline): Likely benign (1 of 4 stars; one submission).

Conditions:
TMEM63A-related disorder. Also called: TMEM63A-related condition.

Submission:

PreventionGenetics, part of Exact Sciences
Classification: Likely benign for TMEM63A-related condition. Last evaluated: 2026-02-02. Review status: criteria provided, single submitter. Criteria: ACMG Guidelines, 2015. Collection method: clinical testing. Allele origin: germline.
Comment: This variant is classified as likely benign based on ACMG/AMP sequence variant interpretation guidelines (Richards et al. 2015 PMID: 25741868, with internal and published modifications).